The following is an entry in ClinVar:

NM_005879.3(TRAIP):c.218T>G (p.Val73Gly)

Gene: TRAIP (TRAF interacting protein; minus strand). Cytogenetic location: 3p21.31.
Variant type: single nucleotide variant.
Coding change: c.218T>G on transcript NM_005879.3 (MANE Select); coding-DNA position 218, T replaced by G.
Protein change: p.Val73Gly; replaces valine 73 with glycine.
Molecular consequence: missense variant.
Genome position (GRCh38, 1-based): chr3:49,847,547, A>C on the plus strand (T>G on the coding strand, the complement: TRAIP is on the minus strand). VCF-style: chr3-49847547-A-C. GRCh37 (hg19) VCF-style: chr3-49884980-A-C.
Other names: short protein forms V73G.
Identifiers: ClinVar variation 1937769 (VCV001937769.6), dbSNP rs1455856886, ClinGen allele CA352842718.

ClinVar aggregate classification (germline): Uncertain significance. Review status: criteria provided, multiple submitters, no conflicts (2 of 4 stars). 2 submissions from 2 submitters: Uncertain significance (2). Last evaluated 2022-03-29.

Conditions:
Inborn genetic diseases. Identifiers: MedGen C0950123, MeSH D030342.

Allele frequency attached by ClinVar (database versions not stated): TOPMed below 0.00001; gnomAD exomes 0.00002.
gnomAD v4.1: 24 of 1,612,176 alleles (0.0015%); highest among the groups gnomAD compares: Non-Finnish European, 0.002%; no homozygotes.

Submissions (2):

Ambry Genetics
Classification: Uncertain significance for Inborn genetic diseases. Last evaluated: 2022-03-29. Review status: criteria provided, single submitter. Criteria: Ambry Variant Classification Scheme 2023. Collection method: clinical testing. Allele origin: germline.

Labcorp Genetics (formerly Invitae), Labcorp
Classification: Uncertain significance. Last evaluated: 2022-03-10. Review status: criteria provided, single submitter. Criteria: Invitae Variant Classification Sherloc (09022015). Collection method: clinical testing. Allele origin: germline.
Comment: Algorithms developed to predict the effect of missense changes on protein structure and function output the following: SIFT: "Tolerated"; PolyPhen-2: "Benign"; Align-GVGD: "Class C0". The glycine amino acid residue is found in multiple mammalian species, which suggests that this missense change does not adversely affect protein function. This variant has not been reported in the literature in individuals affected with TRAIP-related conditions. This variant is present in population databases (no rsID available, gnomAD 0.0009%). This sequence change replaces valine, which is neutral and non-polar, with glycine, which is neutral and non-polar, at codon 73 of the TRAIP protein (p.Val73Gly). In summary, the available evidence is currently insufficient to determine the role of this variant in disease. Therefore, it has been classified as a Variant of Uncertain Significance.